The following is an entry in ClinVar:

ClinVar aggregate classification (germline): Uncertain significance. Review status: criteria provided, multiple submitters, no conflicts (2 of 4 stars). 4 submissions from 4 submitters: Uncertain significance (3). 1 of the submissions does not count toward it. Last evaluated 2023-08-19.

Conditions:
Cardiovascular phenotype. Identifiers: MedGen CN230736.
Alstrom syndrome (ALMS). Identifiers: Orphanet 64, MedGen C0268425, MONDO:0008763, OMIM 203800.

Allele frequency attached by ClinVar (database versions not stated): gnomAD exomes 0.00001 and 0.00004; ExAC 0.00002; gnomAD 0.00003 and 0.00004; TOPMed 0.00003; ESP Exome Variant Server 0.00008.
gnomAD v4.1: 66 of 1,613,924 alleles (0.0041%); highest among the groups gnomAD compares: Non-Finnish European, 0.0055%; no homozygotes.

Submissions (4):

Women's Health and Genetics/Laboratory Corporation of America, LabCorp
Classification: Uncertain significance. Last evaluated: 2023-08-19. Review status: criteria provided, single submitter. Criteria: LabCorp Variant Classification Summary - May 2015. Collection method: clinical testing. Allele origin: germline.

Ambry Genetics
Classification: Uncertain significance for Cardiovascular phenotype. Last evaluated: 2023-05-01. Review status: criteria provided, single submitter. Criteria: Ambry Variant Classification Scheme 2023. Collection method: clinical testing. Allele origin: germline.
Comment: The p.V1443F variant (also known as c.4327G>T), located in coding exon 8 of the ALMS1 gene, results from a G to T substitution at nucleotide position 4327. The valine at codon 1443 is replaced by phenylalanine, an amino acid with highly similar properties. This amino acid position is poorly conserved in available vertebrate species. In addition, this alteration is predicted to be tolerated by in silico analysis. Since supporting evidence is limited at this time, the clinical significance of this alteration remains unclear.

Labcorp Genetics (formerly Invitae), Labcorp
Classification: Uncertain significance for Alstrom syndrome. Last evaluated: 2022-07-06. Review status: criteria provided, single submitter. Criteria: Invitae Variant Classification Sherloc (09022015). Collection method: clinical testing. Allele origin: germline.
Comment: This sequence change replaces valine, which is neutral and non-polar, with phenylalanine, which is neutral and non-polar, at codon 1443 of the ALMS1 protein (p.Val1443Phe). This variant is present in population databases (rs375842278, gnomAD 0.003%). This variant has not been reported in the literature in individuals affected with ALMS1-related conditions. ClinVar contains an entry for this variant (Variation ID: 550295). In summary, the available evidence is currently insufficient to determine the role of this variant in disease. Therefore, it has been classified as a Variant of Uncertain Significance.

Counsyl
Classification: Uncertain significance for Alstrom syndrome. Last evaluated: 2016-12-28. Review status: no assertion criteria provided. Collection method: clinical testing. Allele origin: unknown. Not counted in ClinVar's aggregate classification.

NM_001378454.1(ALMS1):c.4324G>T (p.Val1442Phe)

Gene: ALMS1 (ALMS1 centrosome and basal body associated protein; plus strand). Cytogenetic location: 2p13.1.
Variant type: single nucleotide variant.
Coding change: c.4324G>T on transcript NM_001378454.1 (MANE Select); coding-DNA position 4324, G replaced by T.
Protein change: p.Val1442Phe; replaces valine 1442 with phenylalanine.
Molecular consequence: missense variant.
Genome position (GRCh38, 1-based): chr2:73,450,851, G>T. VCF-style: chr2-73450851-G-T. GRCh37 (hg19) VCF-style: chr2-73677978-G-T.
Other names: c.4327G>T, p.Val1443Phe (NM_015120.4); short protein forms V1443F, V1442F.
Identifiers: ClinVar variation 550295 (VCV000550295.8), dbSNP rs375842278, ClinGen allele CA1713689.